The following is an entry in ClinVar:

NM_002860.4(ALDH18A1):c.967A>G (p.Thr323Ala)

Gene: ALDH18A1 (aldehyde dehydrogenase 18 family member A1; minus strand). Cytogenetic location: 10q24.1.
Variant type: single nucleotide variant.
Coding change: c.967A>G on transcript NM_002860.4 (MANE Select); coding-DNA position 967, A replaced by G.
Protein change: p.Thr323Ala; replaces threonine 323 with alanine.
Molecular consequence: missense variant.
Genome position (GRCh38, 1-based): chr10:95,627,553, T>C on the plus strand (A>G on the coding strand, the complement: ALDH18A1 is on the minus strand). VCF-style: chr10-95627553-T-C. GRCh37 (hg19) VCF-style: chr10-97387310-T-C.
Other names: c.961A>G, p.Thr321Ala (NM_001017423.2, NM_001323415.2); c.634A>G, p.Thr212Ala (NM_001323412.2, NM_001323416.2); c.967A>G, p.Thr323Ala (NM_001323413.2, NM_001323414.2); c.862A>G, p.Thr288Ala (NM_001323417.2); c.628A>G, p.Thr210Ala (NM_001323418.2); c.331A>G, p.Thr111Ala (NM_001323419.2); short protein forms T323A, T210A, T212A, T321A, T111A, T288A.
Identifiers: ClinVar variation 2156509 (VCV002156509.4), dbSNP rs1033773992, ClinGen allele CA211794393.

ClinVar aggregate classification (germline): Uncertain significance (1 of 4 stars; one submission).

Conditions:
Autosomal dominant spastic paraplegia type 9. Identifiers: MedGen C1832669, MONDO:0015091.
de Barsy syndrome. Also called: Cutis laxa-corneal clouding-oligophrenia syndrome. Identifiers: Orphanet 2962, MedGen C0268354, MONDO:0017569.
Cutis laxa, autosomal dominant 3 (ADCL3). Identifiers: Orphanet 90348, MedGen C4225268, MONDO:0014706, OMIM 616603.

Allele frequency attached by ClinVar (database versions not stated): gnomAD exomes below 0.00001; gnomAD 0.00001; TOPMed 0.00002.
gnomAD v4.1: 5 of 1,614,032 alleles (0.00031%); highest among the groups gnomAD compares: Admixed American, 0.0067%; no homozygotes.

Submission:

Labcorp Genetics (formerly Invitae), Labcorp
Classification: Uncertain significance for Autosomal dominant spastic paraplegia type 9; de Barsy syndrome; Cutis laxa, autosomal dominant 3. Last evaluated: 2024-11-29. Review status: criteria provided, single submitter. Criteria: Invitae Variant Classification Sherloc (09022015). Collection method: clinical testing. Allele origin: germline.
Comment: This sequence change replaces threonine, which is neutral and polar, with alanine, which is neutral and non-polar, at codon 323 of the ALDH18A1 protein (p.Thr323Ala). This variant is present in population databases (no rsID available, gnomAD 0.006%). This variant has not been reported in the literature in individuals affected with ALDH18A1-related conditions. ClinVar contains an entry for this variant (Variation ID: 2156509). Invitae Evidence Modeling of protein sequence and biophysical properties (such as structural, functional, and spatial information, amino acid conservation, physicochemical variation, residue mobility, and thermodynamic stability) has been performed for this missense variant. However, the output from this modeling did not meet the statistical confidence thresholds required to predict the impact of this variant on ALDH18A1 protein function. In summary, the available evidence is currently insufficient to determine the role of this variant in disease. Therefore, it has been classified as a Variant of Uncertain Significance.